The following is an entry in ClinVar:

ClinVar aggregate classification (germline): Uncertain significance. Review status: criteria provided, multiple submitters, no conflicts (2 of 4 stars). 2 submissions from 2 submitters: Uncertain significance (2). Last evaluated 2025-04-10.

Conditions:
IFT172-related disorder. Also called: IFT172-related disorders; IFT172-related condition.
Short-rib thoracic dysplasia 10 with or without polydactyly (SRTD10). Identifiers: Orphanet 474, MedGen C3810175, MONDO:0014284, OMIM 615630.
Retinitis pigmentosa 71 (RP71). Identifiers: Orphanet 791, MedGen C4225342, MONDO:0014618, OMIM 616394.

Allele frequency attached by ClinVar (database versions not stated): gnomAD exomes below 0.00001; ExAC 0.00001; TOPMed 0.00002.
gnomAD v4.1: 2 of 1,614,116 alleles (0.00012%); highest among the groups gnomAD compares: African/African-American, 0.0013%; no homozygotes.

Submissions (2):

PreventionGenetics, part of Exact Sciences
Classification: Uncertain significance for IFT172-related condition. Last evaluated: 2025-04-10. Review status: criteria provided, single submitter. Criteria: ACMG Guidelines, 2015. Collection method: clinical testing. Allele origin: germline.
Comment: The IFT172 c.1816G>A variant is predicted to result in the amino acid substitution p.Gly606Ser. To our knowledge, this variant has not been reported in the literature. This variant is reported in 0.00088% of alleles in individuals of European (Non-Finnish) descent in gnomAD. At this time, the clinical significance of this variant is uncertain due to the absence of conclusive functional and genetic evidence.

Labcorp Genetics (formerly Invitae), Labcorp
Classification: Uncertain significance for Retinitis pigmentosa 71; Short-rib thoracic dysplasia 10 with or without polydactyly. Last evaluated: 2024-02-17. Review status: criteria provided, single submitter. Criteria: Invitae Variant Classification Sherloc (09022015). Collection method: clinical testing. Allele origin: germline.
Comment: This sequence change replaces glycine, which is neutral and non-polar, with serine, which is neutral and polar, at codon 606 of the IFT172 protein (p.Gly606Ser). This variant is present in population databases (rs745938799, gnomAD 0.0009%). This variant has not been reported in the literature in individuals affected with IFT172-related conditions. ClinVar contains an entry for this variant (Variation ID: 942626). Advanced modeling of protein sequence and biophysical properties (such as structural, functional, and spatial information, amino acid conservation, physicochemical variation, residue mobility, and thermodynamic stability) performed at Invitae indicates that this missense variant is not expected to disrupt IFT172 protein function with a negative predictive value of 80%. In summary, the available evidence is currently insufficient to determine the role of this variant in disease. Therefore, it has been classified as a Variant of Uncertain Significance.

NM_015662.3(IFT172):c.1816G>A (p.Gly606Ser)

Gene: IFT172 (intraflagellar transport 172; minus strand). Cytogenetic location: 2p23.3.
Variant type: single nucleotide variant.
Coding change: c.1816G>A on transcript NM_015662.3 (MANE Select); coding-DNA position 1816, G replaced by A.
Protein change: p.Gly606Ser; replaces glycine 606 with serine.
Molecular consequence: missense variant.
Genome position (GRCh38, 1-based): chr2:27,465,759, C>T on the plus strand (G>A on the coding strand, the complement: IFT172 is on the minus strand). VCF-style: chr2-27465759-C-T. GRCh37 (hg19) VCF-style: chr2-27688626-C-T.
Other names: short protein forms G606S.
Identifiers: ClinVar variation 942626 (VCV000942626.10), dbSNP rs745938799, ClinGen allele CA1580533.